The following is an entry in ClinVar:

ClinVar aggregate classification (germline): Uncertain significance (1 of 4 stars; one submission).

Submission:

CeGaT Center for Human Genetics Tuebingen
Classification: Uncertain significance. Last evaluated: 2024-07-01. Review status: criteria provided, single submitter. Criteria: CeGaT Center For Human Genetics Tuebingen Variant Classification Criteria Version 2. Collection method: clinical testing. Allele origin: germline. Affected: yes. Observed: 1 variant allele.
Comment: ERLIN2: PM2, PP3

NM_007175.8(ERLIN2):c.346A>T (p.Ile116Phe)

Gene: ERLIN2 (ER lipid raft associated 2; plus strand). Cytogenetic location: 8p11.23.
Variant type: single nucleotide variant.
Coding change: c.346A>T on transcript NM_007175.8 (MANE Select); coding-DNA position 346, A replaced by T.
Protein change: p.Ile116Phe; replaces isoleucine 116 with phenylalanine.
Molecular consequence: missense variant.
Genome position (GRCh38, 1-based): chr8:37,744,618, A>T. VCF-style: chr8-37744618-A-T. GRCh37 (hg19) VCF-style: chr8-37602136-A-T.
Other names: c.346A>T, p.Ile116Phe (NM_001003790.4, NM_001003791.3, NM_001362878.2 and 1 more transcripts); short protein forms I116F.
Identifiers: ClinVar variation 3257373 (VCV003257373.17).